The following is an entry in ClinVar:

ClinVar aggregate classification (germline): Pathogenic/Likely pathogenic. Review status: criteria provided, multiple submitters, no conflicts (2 of 4 stars). 3 submissions from 3 submitters: Pathogenic (1); Likely pathogenic (1). 1 of the submissions does not count toward it. Last evaluated 2021-08-10.

Conditions:
Wilson disease (WND). Also called: Wilson's disease. Identifiers: Orphanet 905, MedGen C0019202, MONDO:0010200, OMIM 277900. Disease mechanism: loss of function.

gnomAD v4.1: 1 of 1,614,144 alleles (0.000062%); highest among the groups gnomAD compares: Non-Finnish European, 0.000085%; no homozygotes.

Submissions (3):

Genome-Nilou Lab
Classification: Likely pathogenic for Wilson disease. Last evaluated: 2021-08-10. Review status: criteria provided, single submitter. Criteria: ACMG Guidelines, 2015. Collection method: clinical testing. Allele origin: germline. Affected: no.

Labcorp Genetics (formerly Invitae), Labcorp
Classification: Pathogenic for Wilson disease. Last evaluated: 2020-06-30. Review status: criteria provided, single submitter. Criteria: Invitae Variant Classification Sherloc (09022015). Collection method: clinical testing. Allele origin: germline.
Comment: This variant has been observed in individual(s) with Wilson disease (PMID: 16416207, 17410460). It has also been observed to segregate with disease in related individuals. ClinVar contains an entry for this variant (Variation ID: 556754). This variant is not present in population databases (ExAC no frequency). This sequence change replaces threonine with arginine at codon 1288 of the ATP7B protein (p.Thr1288Arg). The threonine residue is highly conserved and there is a moderate physicochemical difference between threonine and arginine. Algorithms developed to predict the effect of missense changes on protein structure and function are either unavailable or do not agree on the potential impact of this missense change (SIFT: "Deleterious"; PolyPhen-2: "Probably Damaging"; Align-GVGD: "Class C0"). For these reasons, this variant has been classified as Pathogenic. This variant disrupts the p.Thr1288 amino acid residue in ATP7B. Other variant(s) that disrupt this residue have been observed in individuals with ATP7B-related conditions (PMID: 20967755, Invitae), which suggests that this may be a clinically significant amino acid residue. Algorithms developed to predict the effect of sequence changes on RNA splicing suggest that this variant may create or strengthen a splice site, but this prediction has not been confirmed by published transcriptional studies.

Counsyl
Classification: Uncertain significance for Wilson disease. Last evaluated: 2018-02-26. Review status: no assertion criteria provided. Collection method: clinical testing. Allele origin: unknown. Not counted in ClinVar's aggregate classification.

Literature cited by the submitters: PubMed 16416207 (cited by Labcorp Genetics (formerly Invitae), Labcorp and Counsyl); PubMed 17410460 (cited by Labcorp Genetics (formerly Invitae), Labcorp); PubMed 20967755 (cited by Labcorp Genetics (formerly Invitae), Labcorp); PubMed 24253677 (cited by Counsyl).

NM_000053.4(ATP7B):c.3863C>G (p.Thr1288Arg)

Gene: ATP7B (ATPase copper transporting beta; minus strand). Cytogenetic location: 13q14.3.
Variant type: single nucleotide variant.
Coding change: c.3863C>G on transcript NM_000053.4 (MANE Select); coding-DNA position 3863, C replaced by G.
Protein change: p.Thr1288Arg; replaces threonine 1288 with arginine.
Molecular consequence: missense variant.
Genome position (GRCh38, 1-based): chr13:51,937,516, G>C on the plus strand (C>G on the coding strand, the complement: ATP7B is on the minus strand). VCF-style: chr13-51937516-G-C. GRCh37 (hg19) VCF-style: chr13-52511652-G-C.
Other names: c.3242C>G, p.Thr1081Arg (NM_001005918.3); c.3530C>G, p.Thr1177Arg (NM_001243182.2); c.3629C>G, p.Thr1210Arg (NM_001330578.2); c.3611C>G, p.Thr1204Arg (NM_001330579.2); short protein forms T1288R, T1204R, T1177R, T1081R, T1210R.
Identifiers: ClinVar variation 556754 (VCV000556754.14), dbSNP rs373748155, ClinGen allele CA388021569.